The following is an entry in ClinVar:

NM_001370348.2(PHF3):c.2061A>G (p.Pro687=)

Genes: PHF3 (PHD finger protein 3; plus strand), LOC129996682 (ATAC-STARR-seq lymphoblastoid active region 24722; plus strand). Cytogenetic location: 6q12.
Variant type: single nucleotide variant.
Coding change: c.2061A>G on transcript NM_001370348.2 (MANE Select); coding-DNA position 2061, A replaced by G.
Protein change: p.Pro687=; no amino-acid change (proline 687 retained).
Molecular consequence: synonymous variant. On other transcripts: intron variant (1).
Genome position (GRCh38, 1-based): chr6:63,685,783, A>G. VCF-style: chr6-63685783-A-G. GRCh37 (hg19) VCF-style: chr6-64395684-A-G.
Other names: c.1797A>G, p.Pro599= (NM_001290259.2, NM_001370349.2); c.2061A>G, p.Pro687= (NM_001290260.2, NM_015153.4); c.-5+5622A>G (NM_001370350.2).
Identifiers: ClinVar variation 3043326 (VCV003043326.10), dbSNP rs146698371, ClinGen allele CA3875793.

ClinVar aggregate classification (germline): Likely benign. Review status: criteria provided, single submitter (1 of 4 stars). 2 submissions from 2 submitters: Likely benign (1). 1 of the submissions does not count toward it. Last evaluated 2025-08-01.

Conditions:
PHF3-related disorder. Also called: PHF3-related condition.

Allele frequency attached by ClinVar (database versions not stated): TOPMed 0.00011; gnomAD 0.00013; gnomAD exomes 0.00015; 1000 Genomes Project 30x 0.00016; 1000 Genomes Project 0.00020; ExAC 0.00020; ESP Exome Variant Server 0.00031.
gnomAD v4.1: 255 of 1,614,032 alleles (0.016%); highest among the groups gnomAD compares: Middle Eastern, 0.2%; no homozygotes.

Submissions (2):

CeGaT Center for Human Genetics Tuebingen
Classification: Likely benign. Last evaluated: 2025-08-01. Review status: criteria provided, single submitter. Criteria: CeGaT Center For Human Genetics Tuebingen Variant Classification Criteria Version 2. Collection method: clinical testing. Allele origin: germline. Affected: yes. Observed: 1 variant allele.
Comment: PHF3: BP4, BP7

PreventionGenetics, part of Exact Sciences
Classification: Likely benign for PHF3-related condition. Last evaluated: 2019-06-19. Review status: no assertion criteria provided. Collection method: clinical testing. Allele origin: germline. Not counted in ClinVar's aggregate classification.
Comment: This variant is classified as likely benign based on ACMG/AMP sequence variant interpretation guidelines (Richards et al. 2015 PMID: 25741868, with internal and published modifications).